The following is an entry in ClinVar:

NC_000016.10:g.(89792069_89792470)_(89799233_89799604)del

Gene: FANCA (FA complementation group A; minus strand). Cytogenetic location: 16q24.3.
Variant type: Deletion.
Identifiers: ClinVar variation 974110 (VCV000974110.1).

ClinVar aggregate classification (germline): Pathogenic (0 of 4 stars; one submission).

Conditions:
Fanconi anemia complementation group A (FANCA). Also called: Fanconi anemia, group A; FANCA-Related Fanconi Anemia. Identifiers: Orphanet 84, MedGen C3469521, MONDO:0009215, OMIM 227650.

Submission:

Leiden Open Variation Database
Classification: Pathogenic for Fanconi anemia complementation group A. Last evaluated: 2020-02-28. Review status: no assertion criteria provided. Collection method: curation. Allele origin: germline. Affected: yes.
Comment: Curator: Arleen D. Auerbach. Submitter to LOVD: Arleen D. Auerbach.

Literature cited by the submitters: PubMed 11344308.